The following is an entry in ClinVar:

NM_000179.3(MSH6):c.845_846dup (p.Gly283fs)

Gene: MSH6 (mutS homolog 6; plus strand). Cytogenetic location: 2p16.3.
Variant type: Duplication.
Coding change: c.845_846dup on transcript NM_000179.3 (MANE Select); coding-DNA positions 845 to 846, 2 bases duplicated (TG; older notation c.845_846dupTG).
Protein change: p.Gly283fs; shifts the reading frame from glycine 283.
Molecular consequence: frameshift variant. On other transcripts: 5 prime UTR variant (9), non-coding transcript variant (4), intron variant (1).
Genome position (GRCh38, 1-based): chr2:47,798,828-47,798,829, TG duplicated; duplicating any 2 consecutive bases within chr2:47,798,827-47,798,829 gives the same sequence; the c. name uses the placement nearest the transcript's 3' end. VCF-style (leftmost placement, unchanged base first): chr2-47798826-A-AGT. GRCh37 (hg19) VCF-style: chr2-48025965-A-AGT.
Other names: c.455_456dup, p.Gly153fs (NM_001281492.2); c.-62_-61dup (NM_001281493.2, NM_001281494.2, NM_001406811.1 and 6 more transcripts); c.941_942dup, p.Gly315fs (NM_001406795.1, NM_001406802.1); c.845_846dup, p.Gly283fs (NM_001406796.1, NM_001406798.1, NM_001406800.1 and 4 more transcripts); c.548_549dup, p.Gly184fs (NM_001406797.1, NM_001406801.1, NM_001406805.1 and 10 more transcripts); c.320_321dup, p.Gly108fs (NM_001406799.1, NM_001406806.1, NM_001406807.1); c.767_768dup, p.Gly257fs (NM_001406804.1); c.851_852dup, p.Gly285fs (NM_001406813.1); and 3 more; short protein forms G257fs, G315fs, G108fs, G153fs, G285fs, G283fs, G184fs, G227fs.
Identifiers: ClinVar variation 3663334 (VCV003663334.3).

ClinVar aggregate classification (germline): Pathogenic. Review status: criteria provided, multiple submitters, no conflicts (2 of 4 stars). 2 submissions from 2 submitters: Pathogenic (2). Last evaluated 2025-09-25.

Conditions:
Hereditary cancer-predisposing syndrome. Also called: Hereditary Cancer Syndrome; Tumor predisposition; Hereditary neoplastic syndrome; Neoplastic Syndromes, Hereditary. Identifiers: Orphanet 140162, MedGen C0027672, MeSH D009386, MONDO:0015356.
Hereditary nonpolyposis colorectal neoplasms. Identifiers: MedGen C0009405, MeSH D003123.

Submissions (2):

Ambry Genetics
Classification: Pathogenic for Hereditary cancer-predisposing syndrome. Last evaluated: 2025-09-25. Review status: criteria provided, single submitter. Criteria: Ambry Variant Classification Scheme 2023. Collection method: clinical testing. Allele origin: germline.
Comment: The c.845_846dupTG pathogenic mutation, located in coding exon 4 of the MSH6 gene, results from a duplication of TG at nucleotide position 845, causing a translational frameshift with a predicted alternate stop codon (p.G283Wfs*9). This variant is considered to be rare based on population cohorts in the Genome Aggregation Database (gnomAD). This alteration is expected to result in loss of function by premature protein truncation or nonsense-mediated mRNA decay. As such, this alteration is interpreted as a disease-causing mutation.

Labcorp Genetics (formerly Invitae), Labcorp
Classification: Pathogenic for Hereditary nonpolyposis colorectal neoplasms. Last evaluated: 2024-08-24. Review status: criteria provided, single submitter. Criteria: Invitae Variant Classification Sherloc (09022015). Collection method: clinical testing. Allele origin: germline.
Comment: This sequence change creates a premature translational stop signal (p.Gly283Trpfs*9) in the MSH6 gene. It is expected to result in an absent or disrupted protein product. Loss-of-function variants in MSH6 are known to be pathogenic (PMID: 18269114, 24362816). This variant is not present in population databases (gnomAD no frequency). This variant has not been reported in the literature in individuals affected with MSH6-related conditions. For these reasons, this variant has been classified as Pathogenic.

Literature cited by the submitters: PubMed 18269114 (cited by Labcorp Genetics (formerly Invitae), Labcorp); PubMed 24362816 (cited by Labcorp Genetics (formerly Invitae), Labcorp).